The following is an entry in ClinVar:

NM_182914.3(SYNE2):c.18118C>T (p.Arg6040Ter)

Gene: SYNE2 (spectrin repeat containing nuclear envelope protein 2; plus strand). Cytogenetic location: 14q23.2.
Variant type: single nucleotide variant.
Coding change: c.18118C>T on transcript NM_182914.3 (MANE Select); coding-DNA position 18118, C replaced by T.
Protein change: p.Arg6040Ter; replaces arginine 6040 with a stop codon.
Molecular consequence: nonsense.
Genome position (GRCh38, 1-based): chr14:64,202,880, C>T. VCF-style: chr14-64202880-C-T. GRCh37 (hg19) VCF-style: chr14-64669598-C-T.
Other names: c.18118C>T, p.Arg6040Ter (NM_015180.6); short protein forms R6040*.
Identifiers: ClinVar variation 1414962 (VCV001414962.6), dbSNP rs745320786, ClinGen allele CA7223950.

ClinVar aggregate classification (germline): Uncertain significance (1 of 4 stars; one submission).

Conditions:
Emery-Dreifuss muscular dystrophy 5, autosomal dominant (EDMD5). Also called: EMERY-DREIFUSS MUSCULAR DYSTROPHY 5. Identifiers: Orphanet 261, MedGen C2751805, MONDO:0013072, OMIM 612999.

Allele frequency attached by ClinVar (database versions not stated): gnomAD exomes 0.00001; ExAC 0.00002.
gnomAD v4.1: 7 of 1,614,072 alleles (0.00043%); highest among the groups gnomAD compares: East Asian, 0.0022%; no homozygotes.

Submission:

Labcorp Genetics (formerly Invitae), Labcorp
Classification: Uncertain significance for Emery-Dreifuss muscular dystrophy 5, autosomal dominant. Last evaluated: 2021-04-01. Review status: criteria provided, single submitter. Criteria: Invitae Variant Classification Sherloc (09022015). Collection method: clinical testing. Allele origin: germline.
Comment: This variant is present in population databases (rs745320786, ExAC 0.01%). This sequence change creates a premature translational stop signal (p.Arg6040*) in the SYNE2 gene. It is expected to result in an absent or disrupted protein product. However, the current clinical and genetic evidence is not sufficient to establish whether loss-of-function variants in SYNE2 cause disease. This variant has not been reported in the literature in individuals with SYNE2-related conditions. In summary, the available evidence is currently insufficient to determine the role of this variant in disease. Therefore, it has been classified as a Variant of Uncertain Significance.